The following is an entry in ClinVar:

ClinVar aggregate classification (germline): Uncertain significance (1 of 4 stars; one submission).

Submission:

CeGaT Center for Human Genetics Tuebingen
Classification: Uncertain significance. Last evaluated: 2026-09-01. Review status: criteria provided, single submitter. Criteria: CeGaT Center For Human Genetics Tuebingen Variant Classification Criteria Version 2. Collection method: clinical testing. Allele origin: germline. Affected: yes. Observed: 1 variant allele.
Comment: GLRA2: PM2, PP3

NM_002063.4(GLRA2):c.1276T>A (p.Phe426Ile)

Genes: FANCB (FA complementation group B; minus strand), GLRA2 (glycine receptor alpha 2; plus strand). Cytogenetic location: Xp22.2.
Variant type: single nucleotide variant.
Coding change: c.1276T>A on transcript NM_002063.4 (MANE Select); coding-DNA position 1276, T replaced by A.
Protein change: p.Phe426Ile; replaces phenylalanine 426 with isoleucine.
Molecular consequence: missense variant.
Genome position (GRCh38, 1-based): chrX:14,730,402, T>A. VCF-style: chrX-14730402-T-A. GRCh37 (hg19) VCF-style: chrX-14748524-T-A.
Other names: c.1276T>A, p.Phe426Ile (NM_001118885.2, NM_001118886.2); c.1009T>A, p.Phe337Ile (NM_001171942.2); short protein forms F337I, F426I.
Identifiers: ClinVar variation 5040748 (VCV005040748.1).